The following is an entry in ClinVar:

NM_182641.4(BPTF):c.5546A>T (p.Glu1849Val)

Gene: BPTF (bromodomain PHD finger transcription factor; plus strand). Cytogenetic location: 17q24.2.
Variant type: single nucleotide variant.
Coding change: c.5546A>T on transcript NM_182641.4 (MANE Select); coding-DNA position 5546, A replaced by T.
Protein change: p.Glu1849Val; replaces glutamic acid 1849 with valine.
Molecular consequence: missense variant.
Genome position (GRCh38, 1-based): chr17:67,920,132, A>T. VCF-style: chr17-67920132-A-T. GRCh37 (hg19) VCF-style: chr17-65916248-A-T.
Other names: c.5924A>T, p.Glu1975Val (NM_004459.7); short protein forms E1849V, E1975V.
Identifiers: ClinVar variation 3900180 (VCV003900180.1).
Genomic context (GRCh38, chr17:67,920,132, plus strand): 5'-CTTATGGCATTCGATCTGAATATTGTATCAGGAAAATCATTTGTCCCATTGGAGTTCCAG[A>T]AACACCAAAAGGTAAGAAATAGAATTCTATTCTTTCATGATTAACCTGTTAACCATGTAT-3'
Protein context (NP_872579.2, residues 1839-1859): RKIICPIGVP[Glu1849Val]TPKETPTPQR

ClinVar aggregate classification (germline): Uncertain significance (1 of 4 stars; one submission).

Submission:

GeneDx
Classification: Uncertain significance. Last evaluated: 2024-11-26. Review status: criteria provided, single submitter. Criteria: GeneDx Variant Classification Process June 2021. Collection method: clinical testing. Allele origin: germline. Affected: yes.
Comment: Not observed at significant frequency in large population cohorts (gnomAD); In silico analysis supports that this missense variant has a deleterious effect on protein structure/function; Has not been previously published as pathogenic or benign to our knowledge